The following is an entry in ClinVar:

ClinVar aggregate classification (germline): Pathogenic/Likely pathogenic. Review status: criteria provided, multiple submitters, no conflicts (2 of 4 stars). 2 submissions from 2 submitters: Pathogenic (1); Likely pathogenic (1). Last evaluated 2023-08-04.

Conditions:
Abetalipoproteinaemia (ABL). Also called: Abetalipoproteinemia; Abetalipoproteinemia neuropathy; Apolipoprotein B deficiency; Congenital betalipoprotein deficiency syndrome; MTP DEFICIENCY. Identifiers: Orphanet 14, MedGen C0000744, MONDO:0008692, OMIM 200100, HP:0008181.

Submissions (2):

Labcorp Genetics (formerly Invitae), Labcorp
Classification: Pathogenic. Last evaluated: 2023-08-04. Review status: criteria provided, single submitter. Criteria: Invitae Variant Classification Sherloc (09022015). Collection method: clinical testing. Allele origin: germline.
Comment: This sequence change creates a premature translational stop signal (p.Leu743*) in the MTTP gene. It is expected to result in an absent or disrupted protein product. Loss-of-function variants in MTTP are known to be pathogenic (PMID: 8533758, 9671739). This variant is not present in population databases (gnomAD no frequency). This variant has not been reported in the literature in individuals affected with MTTP-related conditions. ClinVar contains an entry for this variant (Variation ID: 1726461). For these reasons, this variant has been classified as Pathogenic.

Myriad Genetics, Inc.
Classification: Likely pathogenic for Abetalipoproteinaemia. Last evaluated: 2021-12-17. Review status: criteria provided, single submitter. Criteria: Myriad Women's Health Autosomal Recessive and X-Linked Classification Criteria (2021). Collection method: clinical testing. Allele origin: unknown.
Comment: NM_000253.2(MTTP):c.2228T>A(L743*) is expected to be pathogenic in the context of abetalipoproteinemia. This variant is predicted to lead to an abnormal or absent protein product due to the creation of a premature termination codon in MTTP, a gene where loss-of-function variants are known to be pathogenic. Please note: this variant was assessed in the context of healthy population screening.

Literature cited by the submitters: PubMed 8533758 (cited by Labcorp Genetics (formerly Invitae), Labcorp); PubMed 9671739 (cited by Labcorp Genetics (formerly Invitae), Labcorp).

NM_001386140.1(MTTP):c.2228T>A (p.Leu743Ter)

Gene: MTTP (microsomal triglyceride transfer protein; plus strand). Cytogenetic location: 4q23.
Variant type: single nucleotide variant.
Coding change: c.2228T>A on transcript NM_001386140.1 (MANE Select); coding-DNA position 2228, T replaced by A.
Protein change: p.Leu743Ter; replaces leucine 743 with a stop codon.
Molecular consequence: nonsense.
Genome position (GRCh38, 1-based): chr4:99,618,984, T>A. VCF-style: chr4-99618984-T-A. GRCh37 (hg19) VCF-style: chr4-100540141-T-A.
Other names: c.2228T>A, p.Leu743Ter (NM_000253.4); c.1979T>A, p.Leu660Ter (NM_001300785.2); short protein forms L660*, L743*.
Identifiers: ClinVar variation 1726461 (VCV001726461.5), dbSNP rs2476158124, ClinGen allele CA357518112.
Genomic context (GRCh38, chr4:99,618,984, plus strand): 5'-TAAATTGTACTTATTATTTTTATAACTATTATTATGCTTTTTTCTTCTAGGAACTTCAGT[T>A]ACAATCTGGACTAAAAGCCAATATAGAGGTCCAGGGTGGTCTAGCTATTGATATTTCAGG-3'